The following is an entry in ClinVar:

ClinVar aggregate classification (germline): Likely benign (1 of 4 stars; one submission).

Submission:

GeneDx
Classification: Likely benign. Last evaluated: 2016-09-22. Review status: criteria provided, single submitter. Criteria: GeneDx Variant Classification (06012015). Collection method: clinical testing. Allele origin: germline. Affected: yes.
Comment: This variant is considered likely benign or benign based on one or more of the following criteria: it is a conservative change, it occurs at a poorly conserved position in the protein, it is predicted to be benign by multiple in silico algorithms, and/or has population frequency not consistent with disease.

NM_015443.4(KANSL1):c.2125G>A (p.Ala709Thr)

Gene: KANSL1 (KAT8 regulatory NSL complex subunit 1). Cytogenetic location: 17q21.31.
Variant type: single nucleotide variant.
Coding change: c.2125G>A on transcript NM_015443.4 (MANE Select); coding-DNA position 2125, G replaced by A.
Protein change: p.Ala709Thr; replaces alanine 709 with threonine.
Molecular consequence: missense variant.
Genome position (GRCh38, 1-based): chr17:46,039,780, C>T on the plus strand (G>A on the coding strand, the complement: KANSL1 is on the minus strand). VCF-style: chr17-46039780-C-T. GRCh37 (hg19) VCF-style: chr17-44117146-C-T.
Other names: p.A709T:GCA>ACA; c.2125G>A, p.Ala709Thr (NM_001193465.2, NM_001193466.2, NM_001379198.1); short protein forms A709T.
Identifiers: ClinVar variation 205741 (VCV000205741.1), dbSNP rs796052586, ClinGen allele CA315111.
Genomic context (GRCh38, chr17:46,039,780, plus strand): 5'-AGCTGACCAATTTGTGCCTGTCCTTACGAGCTGAATCTGGCAGACTGCCCGGCATGGGTG[C>T]TCTGTGCTTAAGCGATAACTTTTTGGGAGGTTTGATTTTGTCAAAAGGCTTGTTCTGCCA-3'
Protein context (NP_056258.1, residues 699-719): PPKKLSLKHR[Ala709Thr]PMPGSLPDSA